The following is an entry in ClinVar:

ClinVar aggregate classification (germline): Likely benign (1 of 4 stars; one submission).

Conditions:
VPS13B-related disorder. Also called: VPS13B-related condition.

gnomAD v4.1: 2 of 1,613,628 alleles (0.00012%); highest among the groups gnomAD compares: African/African-American, 0.0013%; no homozygotes.

Submission:

PreventionGenetics, part of Exact Sciences
Classification: Likely benign for VPS13B-related condition. Last evaluated: 2025-11-07. Review status: criteria provided, single submitter. Criteria: ACMG Guidelines, 2015. Collection method: clinical testing. Allele origin: germline.
Comment: This variant is classified as likely benign based on ACMG/AMP sequence variant interpretation guidelines (Richards et al. 2015 PMID: 25741868, with internal and published modifications).

NM_152564.5(VPS13B):c.7785A>G (p.Lys2595=)

Gene: VPS13B (vacuolar protein sorting 13 homolog B; plus strand). Cytogenetic location: 8q22.2.
Variant type: single nucleotide variant.
Coding change: c.7785A>G on transcript NM_152564.5 (MANE Select); coding-DNA position 7785, A replaced by G.
Protein change: p.Lys2595=; no amino-acid change (lysine 2595 retained).
Molecular consequence: synonymous variant.
Genome position (GRCh38, 1-based): chr8:99,784,320, A>G. VCF-style: chr8-99784320-A-G. GRCh37 (hg19) VCF-style: chr8-100796548-A-G.
Other names: c.7860A>G, p.Lys2620= (NM_017890.5).
Identifiers: ClinVar variation 4983122 (VCV004983122.1).